The following is an entry in ClinVar:

NM_005188.4(CBL):c.1431+10C>T

Gene: CBL (Cbl proto-oncogene; plus strand). Cytogenetic location: 11q23.3.
Variant type: single nucleotide variant.
Coding change: c.1431+10C>T on transcript NM_005188.4 (MANE Select); 10 bases into the intron after coding-DNA position 1431, C replaced by T.
Molecular consequence: intron variant.
Genome position (GRCh38, 1-based): chr11:119,278,723, C>T. VCF-style: chr11-119278723-C-T. GRCh37 (hg19) VCF-style: chr11-119149433-C-T.
Other names: c.1431+10C>T (NM_005188.3).
Identifiers: ClinVar variation 2052452 (VCV002052452.7), dbSNP rs1486984317, ClinGen allele CA602578972.
Genomic context (GRCh38, chr11:119,278,723, plus strand): 5'-GAACGAGCTGATGATACTCTCTTCATGATGAAGGAATTGGCTGGTGCCAAGGTAAGATGG[C>T]AGTTTAGGAGACTGGCAAAATCCATTGTGAGTTGTCTTCTAAAGCCGTAAAACACTTAAC-3'

ClinVar aggregate classification (germline): Likely benign. Review status: criteria provided, multiple submitters, no conflicts (2 of 4 stars). 3 submissions from 3 submitters: Likely benign (2). 1 of the submissions does not count toward it. Last evaluated 2025-08-17.

Conditions:
CBL-related disorder. Also called: CBL MUTATION-ASSOCIATED SYNDROME; CBL SYNDROME; NOONAN SYNDROME-LIKE DISORDER WITHOUT JUVENILE MYELOMONOCYTIC LEUKEMIA. Identifiers: Orphanet 363972, MedGen C3150803, MONDO:0013308, OMIM 613563.
RASopathy. Also called: rasopathies; Noonan spectrum disorder. Identifiers: Orphanet 536391, MedGen C5555857, MONDO:0021060.

Allele frequency attached by ClinVar (database versions not stated): gnomAD exomes below 0.00001.
gnomAD v4.1: 2 of 1,611,010 alleles (0.00012%); highest among the groups gnomAD compares: Non-Finnish European, 0.00017%; no homozygotes.

Submissions (3):

Labcorp Genetics (formerly Invitae), Labcorp
Classification: Likely benign for RASopathy. Last evaluated: 2025-08-17. Review status: criteria provided, single submitter. Criteria: Invitae Variant Classification Sherloc (09022015). Collection method: clinical testing. Allele origin: germline.

Women's Health and Genetics/Laboratory Corporation of America, LabCorp
Classification: Likely benign. Last evaluated: 2023-09-07. Review status: criteria provided, single submitter. Criteria: LabCorp Variant Classification Summary - May 2015. Collection method: clinical testing. Allele origin: germline.
Comment: Variant summary: CBL c.1431+10C>T alters a nucleotide located at a position not widely known to affect splicing. Consensus agreement among computation tools predict no significant impact on normal splicing. However, these predictions have yet to be confirmed by functional studies. The variant allele was found at a frequency of 8e-06 in 250304 control chromosomes. The available data on variant occurrences in the general population are insufficient to allow any conclusion about variant significance. To our knowledge, no occurrence of c.1431+10C>T in individuals affected with Noonan Syndrome And Related Conditions and no experimental evidence demonstrating its impact on protein function have been reported. One submitter has cited clinical-significance assessments for this variant to ClinVar after 2014 and has classified the variant as likely benign. Based on the evidence outlined above, the variant was classified as likely benign.

PreventionGenetics, part of Exact Sciences
Classification: Likely benign for CBL-related condition. Last evaluated: 2021-02-19. Review status: no assertion criteria provided. Collection method: clinical testing. Allele origin: germline. Not counted in ClinVar's aggregate classification.
Comment: This variant is classified as likely benign based on ACMG/AMP sequence variant interpretation guidelines (Richards et al. 2015 PMID: 25741868, with internal and published modifications).